The following is an entry in ClinVar:

ClinVar aggregate classification (germline): Pathogenic. Review status: criteria provided, single submitter (1 of 4 stars). 2 submissions from 2 submitters: Pathogenic (1). 1 of the submissions does not count toward it. Last evaluated 2022-10-20.

Conditions:
Lamb-Shaffer syndrome. Identifiers: Orphanet 313884, Orphanet 313892, Orphanet 530983, MedGen C4225202, MONDO:0014778, OMIM 616803.

Submissions (2):

GeneDx
Classification: Pathogenic. Last evaluated: 2022-10-20. Review status: criteria provided, single submitter. Criteria: GeneDx Variant Classification Process June 2021. Collection method: clinical testing. Allele origin: germline. Affected: yes.
Comment: Nonsense variant predicted to result in protein truncation or nonsense mediated decay in a gene for which loss of function is a known mechanism of disease; Not observed at significant frequency in large population cohorts (gnomAD); This variant is associated with the following publications: (PMID: 31578471)

Institute for Human Genetics, University Hospital Essen
Classification: Pathogenic for Lamb-Shaffer syndrome. Last evaluated: 2019-08-05. Review status: no assertion criteria provided. Collection method: clinical testing. Allele origin: de novo. Inheritance: Autosomal dominant inheritance. Affected: yes. Not counted in ClinVar's aggregate classification.

NM_006940.6(SOX5):c.1782G>A (p.Trp594Ter)

Gene: SOX5 (SRY-box transcription factor 5; minus strand). Cytogenetic location: 12p12.1.
Variant type: single nucleotide variant.
Coding change: c.1782G>A on transcript NM_006940.6 (MANE Select); coding-DNA position 1782, G replaced by A.
Protein change: p.Trp594Ter; replaces tryptophan 594 with a stop codon.
Molecular consequence: nonsense.
Genome position (GRCh38, 1-based): chr12:23,536,659, C>T on the plus strand (G>A on the coding strand, the complement: SOX5 is on the minus strand). VCF-style: chr12-23536659-C-T. GRCh37 (hg19) VCF-style: chr12-23689593-C-T.
Other names: c.1419G>A, p.Trp473Ter (NM_001261414.3); c.1752G>A, p.Trp584Ter (NM_001261415.3); c.1677G>A, p.Trp559Ter (NM_001330785.2); c.1743G>A, p.Trp581Ter (NM_152989.5); c.624G>A, p.Trp208Ter (NM_178010.4); short protein forms W208*, W559*, W581*, W473*, W584*, W594*.
Identifiers: ClinVar variation 695086 (VCV000695086.3), dbSNP rs1591833842, ClinGen allele CA384319639.